The following is an entry in ClinVar:

ClinVar aggregate classification (germline): Uncertain significance (1 of 4 stars; one submission).

Submission:

GeneDx
Classification: Uncertain significance. Last evaluated: 2023-06-29. Review status: criteria provided, single submitter. Criteria: GeneDx Variant Classification Process June 2021. Collection method: clinical testing. Allele origin: germline. Affected: yes.
Comment: Not observed at significant frequency in large population cohorts (gnomAD); In silico analysis supports that this missense variant has a deleterious effect on protein structure/function; Has not been previously published as pathogenic or benign to our knowledge

NM_001308093.3(GATA4):c.653G>A (p.Cys218Tyr)

Gene: GATA4 (GATA binding protein 4). Cytogenetic location: 8p23.1.
Variant type: single nucleotide variant.
Coding change: c.653G>A on transcript NM_001308093.3 (MANE Select); coding-DNA position 653, G replaced by A.
Protein change: p.Cys218Tyr; replaces cysteine 218 with tyrosine.
Molecular consequence: missense variant.
Genome position (GRCh38, 1-based): chr8:11,748,952, G>A. VCF-style: chr8-11748952-G-A. GRCh37 (hg19) VCF-style: chr8-11606461-G-A.
Other names: c.32G>A, p.Cys11Tyr (NM_001308094.2, NM_001374273.1, NM_001374274.1); c.650G>A, p.Cys217Tyr (NM_002052.5); short protein forms C11Y, C217Y, C218Y.
Identifiers: ClinVar variation 3360663 (VCV003360663.1).